The following is an entry in ClinVar:

NM_000320.3(QDPR):c.520G>A (p.Gly174Arg)

Gene: QDPR (quinoid dihydropteridine reductase; minus strand). Cytogenetic location: 4p15.32.
Variant type: single nucleotide variant.
Coding change: c.520G>A on transcript NM_000320.3 (MANE Select); coding-DNA position 520, G replaced by A.
Protein change: p.Gly174Arg; replaces glycine 174 with arginine.
Molecular consequence: missense variant.
Genome position (GRCh38, 1-based): chr4:17,492,257, C>T on the plus strand (G>A on the coding strand, the complement: QDPR is on the minus strand). VCF-style: chr4-17492257-C-T. GRCh37 (hg19) VCF-style: chr4-17493880-C-T.
Other names: c.427G>A, p.Gly143Arg (NM_001306140.2); short protein forms G143R, G174R.
Identifiers: ClinVar variation 1509074 (VCV001509074.3), dbSNP rs755535883, ClinGen allele CA2868081.
Genomic context (GRCh38, chr4:17,492,257, plus strand): 5'-AGGTGGGCAGCAGCCAGGGAACCCCAAGCACTTACGGGAGCACAGCGATGGCGGCTGCCC[C>T]GGGCGGCATGCCGCTGTTCTTCCCAGCCAGGCTCTGGCAGAGCTGGTGAACAGCACCCTT-3'
Protein context (NP_000311.2, residues 164-184): LAGKNSGMPP[Gly174Arg]AAAIAVLPVT

ClinVar aggregate classification (germline): Uncertain significance (1 of 4 stars; one submission).

Conditions:
Dihydropteridine reductase deficiency (HPABH4C). Also called: BH4-Deficient Hyperphenylalaninemia C; HYPERPHENYLALANINEMIA, TETRAHYDROBIOPTERIN-DEFICIENT, DUE TO DHPR DEFICIENCY; QDPR DEFICIENCY; QUINOID DIHYDROPTERIDINE REDUCTASE DEFICIENCY; Phenylketonuria II; Hyperphenylalaninemia due to dihydropteridine reductase deficiency. Identifiers: Orphanet 226, Orphanet 238583, MedGen C0268465, MONDO:0009862, OMIM 261630.

Allele frequency attached by ClinVar (database versions not stated): ExAC 0.00001; gnomAD 0.00001; gnomAD exomes 0.00001; TOPMed 0.00002.
gnomAD v4.1: 26 of 1,613,866 alleles (0.0016%); highest among the groups gnomAD compares: Middle Eastern, 0.017%; no homozygotes.

Submission:

Labcorp Genetics (formerly Invitae), Labcorp
Classification: Uncertain significance for Dihydropteridine reductase deficiency. Last evaluated: 2022-10-17. Review status: criteria provided, single submitter. Criteria: Invitae Variant Classification Sherloc (09022015). Collection method: clinical testing. Allele origin: germline.
Comment: This sequence change replaces glycine, which is neutral and non-polar, with arginine, which is basic and polar, at codon 174 of the QDPR protein (p.Gly174Arg). This variant is present in population databases (rs755535883, gnomAD 0.006%). This variant has not been reported in the literature in individuals affected with QDPR-related conditions. ClinVar contains an entry for this variant (Variation ID: 1509074). Algorithms developed to predict the effect of missense changes on protein structure and function output the following: SIFT: "Tolerated"; PolyPhen-2: "Benign"; Align-GVGD: "Class C0". The arginine amino acid residue is found in multiple mammalian species, which suggests that this missense change does not adversely affect protein function. In summary, the available evidence is currently insufficient to determine the role of this variant in disease. Therefore, it has been classified as a Variant of Uncertain Significance.